The following is an entry in ClinVar:

NM_014049.5(ACAD9):c.1429C>T (p.Arg477Ter)

Gene: ACAD9 (acyl-CoA dehydrogenase family member 9; plus strand). Cytogenetic location: 3q21.3.
Variant type: single nucleotide variant.
Coding change: c.1429C>T on transcript NM_014049.5 (MANE Select); coding-DNA position 1429, C replaced by T.
Protein change: p.Arg477Ter; replaces arginine 477 with a stop codon.
Molecular consequence: nonsense. On other transcripts: non-coding transcript variant (1).
Genome position (GRCh38, 1-based): chr3:128,909,043, C>T. VCF-style: chr3-128909043-C-T. GRCh37 (hg19) VCF-style: chr3-128627886-C-T.
Other names: short protein forms R477*.
Identifiers: ClinVar variation 864413 (VCV000864413.15), dbSNP rs866688232, ClinGen allele CA82537220.

ClinVar aggregate classification (germline): Pathogenic/Likely pathogenic. Review status: criteria provided, multiple submitters, no conflicts (2 of 4 stars). 4 submissions from 4 submitters: Pathogenic (2); Likely pathogenic (2). Last evaluated 2025-09-25.

Conditions:
Acyl-CoA dehydrogenase 9 deficiency. Also called: Acyl-CoA dehydrogenase family, member 9, deficiency of; MITOCHONDRIAL COMPLEX I DEFICIENCY, NUCLEAR TYPE 20. Identifiers: Orphanet 99901, MedGen C4747517, MONDO:0012624, OMIM 611126.

gnomAD v4.1: 2 of 1,614,106 alleles (0.00012%); highest among the groups gnomAD compares: Non-Finnish European, 0.00017%; no homozygotes.

Submissions (4):

Natera, Inc.
Classification: Likely pathogenic for ACAD9 deficiency. Last evaluated: 2025-09-25. Review status: criteria provided, single submitter. Criteria: Natera Variant Classification Schema (03/2026). Collection method: clinical testing. Allele origin: germline.
Comment: The c.1429C>T variant in ACAD9 is a nonsense variant predicted to introduce a stop codon at amino acid 477. This variant is expected to result in nonsense mediated decay, truncation, or a dysfunctional protein product. This variant is rare in the general population with a frequency below the threshold expected for the associated phenotype(s). Given the available evidence, this variant is classified as Likely Pathogenic.

Fulgent Genetics
Classification: Likely pathogenic for Acyl-CoA dehydrogenase 9 deficiency. Last evaluated: 2023-12-27. Review status: criteria provided, single submitter. Criteria: ACMG Guidelines, 2015. Collection method: clinical testing. Allele origin: germline.

Labcorp Genetics (formerly Invitae), Labcorp
Classification: Pathogenic. Last evaluated: 2023-09-25. Review status: criteria provided, single submitter. Criteria: Invitae Variant Classification Sherloc (09022015). Collection method: clinical testing. Allele origin: germline.
Comment: This sequence change creates a premature translational stop signal (p.Arg477*) in the ACAD9 gene. It is expected to result in an absent or disrupted protein product. Loss-of-function variants in ACAD9 are known to be pathogenic (PMID: 25721401). This variant is not present in population databases (gnomAD no frequency). This variant has not been reported in the literature in individuals affected with ACAD9-related conditions. ClinVar contains an entry for this variant (Variation ID: 864413). For these reasons, this variant has been classified as Pathogenic.

Victorian Clinical Genetics Services, Murdoch Childrens Research Institute
Classification: Pathogenic for Acyl-CoA dehydrogenase 9 deficiency. Last evaluated: 2021-05-06. Review status: criteria provided, single submitter. Criteria: ACMG Guidelines, 2015. Collection method: clinical testing. Allele origin: germline. Inheritance: Autosomal recessive inheritance. Affected: yes.
Comment: Based on the classification scheme VCGS_Germline_v1.3.4, this variant is classified as Pathogenic. Following criteria are met: 0102 - Loss of function is a known mechanism of disease in this gene and is associated with mitochondrial complex I deficiency, nuclear type 20 (MIM#611126). (I) 0106 - This gene is associated with autosomal recessive disease. (I) 0201 - Variant is predicted to cause nonsense-mediated decay (NMD) and loss of protein (premature termination codon is located at least 54 nucleotides upstream of the final exon-exon junction). (SP) 0251 - This variant is heterozygous. (I) 0301 - Variant is absent from gnomAD (both v2 and v3). (SP) 0702 - Other NMD predicted variants comparable to the one identified in this case have strong previous evidence for pathogenicity (ClinVar). (SP) 0803 - This variant has limited previous evidence of pathogenicity in unrelated individuals. This variant has been reported as pathogenic (ClinVar). (SP) 0905 - No published segregation evidence has been identified for this variant. (I) 1001 - This variant has strong functional evidence supporting abnormal protein function. Functional study using patient fibroblasts demonstrated reduced protein expression in ACAD9, ECSIT and NDUFAF1 (Brain and Mitochondrial lab, MCRI). (I) Legend: (SP) - Supporting pathogenic, (I) - Information, (SB) - Supporting benign

Literature cited by the submitters: PubMed 25721401 (cited by Labcorp Genetics (formerly Invitae), Labcorp).